The following is an entry in ClinVar:

NM_001793.6(CDH3):c.2191C>T (p.Arg731Cys)

Gene: CDH3 (cadherin 3; plus strand). Cytogenetic location: 16q22.1.
Variant type: single nucleotide variant.
Coding change: c.2191C>T on transcript NM_001793.6 (MANE Select); coding-DNA position 2191, C replaced by T.
Protein change: p.Arg731Cys; replaces arginine 731 with cysteine.
Molecular consequence: missense variant.
Genome position (GRCh38, 1-based): chr16:68,695,834, C>T. VCF-style: chr16-68695834-C-T. GRCh37 (hg19) VCF-style: chr16-68729737-C-T.
Other names: c.2191C>T, p.Arg731Cys (NM_001317195.3); c.2026C>T, p.Arg676Cys (NM_001317196.2); short protein forms R676C, R731C.
Identifiers: ClinVar variation 1037730 (VCV001037730.8), dbSNP rs139153891, ClinGen allele CA8129612.

ClinVar aggregate classification (germline): Uncertain significance. Review status: criteria provided, multiple submitters, no conflicts (2 of 4 stars). 3 submissions from 3 submitters: Uncertain significance (2). 1 of the submissions does not count toward it. Last evaluated 2024-01-23.

Conditions:
Retinal dystrophy. Also called: Inherited retinal dystrophy. Identifiers: Orphanet 71862, MedGen C0854723, MeSH D058499, MONDO:0019118, HP:0000556.

Allele frequency attached by ClinVar (database versions not stated): 1000 Genomes Project below 0.00001; ExAC 0.00001; gnomAD 0.00001; gnomAD exomes 0.00001; TOPMed 0.00002; ESP Exome Variant Server 0.00015.
gnomAD v4.1: 15 of 1,613,982 alleles (0.00093%); highest among the groups gnomAD compares: Middle Eastern, 0.016%; no homozygotes.

Submissions (3):

Blueprint Genetics
Classification: Uncertain significance. Last evaluated: 2024-01-23. Review status: criteria provided, single submitter. Criteria: ACMG Guidelines, 2015. Collection method: clinical testing. Allele origin: germline.

Labcorp Genetics (formerly Invitae), Labcorp
Classification: Uncertain significance. Last evaluated: 2022-04-03. Review status: criteria provided, single submitter. Criteria: Invitae Variant Classification Sherloc (09022015). Collection method: clinical testing. Allele origin: germline.
Comment: This sequence change replaces arginine, which is basic and polar, with cysteine, which is neutral and slightly polar, at codon 731 of the CDH3 protein (p.Arg731Cys). This variant is present in population databases (rs139153891, gnomAD 0.003%). This variant has not been reported in the literature in individuals affected with CDH3-related conditions. ClinVar contains an entry for this variant (Variation ID: 1037730). Algorithms developed to predict the effect of missense changes on protein structure and function are either unavailable or do not agree on the potential impact of this missense change (SIFT: "Not Available"; PolyPhen-2: "Possibly Damaging"; Align-GVGD: "Not Available"). In summary, the available evidence is currently insufficient to determine the role of this variant in disease. Therefore, it has been classified as a Variant of Uncertain Significance.

Institute of Human Genetics, Univ. Regensburg, Univ. Regensburg
Classification: Uncertain significance for Retinal dystrophy. Last evaluated: 2019-01-01. Review status: no assertion criteria provided. Criteria: ACMG Guidelines, 2015. Collection method: clinical testing. Allele origin: germline. Affected: yes. Not counted in ClinVar's aggregate classification.